The following is an entry in ClinVar:

NM_003482.4(KMT2D):c.11113G>T (p.Ala3705Ser)

Gene: KMT2D (lysine methyltransferase 2D; minus strand). Cytogenetic location: 12q13.12.
Variant type: single nucleotide variant.
Coding change: c.11113G>T on transcript NM_003482.4 (MANE Select); coding-DNA position 11113, G replaced by T.
Protein change: p.Ala3705Ser; replaces alanine 3705 with serine.
Molecular consequence: missense variant.
Genome position (GRCh38, 1-based): chr12:49,033,592, C>A on the plus strand (G>T on the coding strand, the complement: KMT2D is on the minus strand). VCF-style: chr12-49033592-C-A. GRCh37 (hg19) VCF-style: chr12-49427375-C-A.
Other names: short protein forms A3705S.
Identifiers: ClinVar variation 4987271 (VCV004987271.1).

ClinVar aggregate classification (germline): Uncertain significance (1 of 4 stars; one submission).

Conditions:
KMT2D-related disorder. Also called: KMT2D-Related Disorders.

Submission:

PreventionGenetics, part of Exact Sciences
Classification: Uncertain significance for KMT2D-related condition. Last evaluated: 2026-05-22. Review status: criteria provided, single submitter. Criteria: ACMG Guidelines, 2015. Collection method: clinical testing. Allele origin: germline.
Comment: The KMT2D c.11113G>T variant is predicted to result in the amino acid substitution p.Ala3705Ser. To our knowledge, this variant has not been reported in the literature or in a large population database (gnomAD), indicating this variant is rare. At this time, the clinical significance of this variant is uncertain due to the absence of conclusive functional and genetic evidence.